The following is an entry in ClinVar:

NM_000171.4(GLRA1):c.500C>T (p.Pro167Leu)

Gene: GLRA1 (glycine receptor alpha 1; minus strand). Cytogenetic location: 5q33.1.
Variant type: single nucleotide variant.
Coding change: c.500C>T on transcript NM_000171.4 (MANE Select); coding-DNA position 500, C replaced by T.
Protein change: p.Pro167Leu; replaces proline 167 with leucine.
Molecular consequence: missense variant.
Genome position (GRCh38, 1-based): chr5:151,856,360, G>A on the plus strand (C>T on the coding strand, the complement: GLRA1 is on the minus strand). VCF-style: chr5-151856360-G-A. GRCh37 (hg19) VCF-style: chr5-151235921-G-A.
Other names: c.500C>T, p.Pro167Leu (NM_001146040.2); c.251C>T, p.Pro84Leu (NM_001292000.2); short protein forms P167L, P84L.
Identifiers: ClinVar variation 1515770 (VCV001515770.6), dbSNP rs2113352246, ClinGen allele CA361840781.

ClinVar aggregate classification (germline): Uncertain significance (1 of 4 stars; one submission).

Conditions:
Hereditary hyperekplexia. Identifiers: Orphanet 3197, MedGen C4084968, MONDO:0021022.

Submission:

Labcorp Genetics (formerly Invitae), Labcorp
Classification: Uncertain significance for Hereditary hyperekplexia. Last evaluated: 2022-09-27. Review status: criteria provided, single submitter. Criteria: Invitae Variant Classification Sherloc (09022015). Collection method: clinical testing. Allele origin: germline.
Comment: This variant is not present in population databases (gnomAD no frequency). This sequence change replaces proline, which is neutral and non-polar, with leucine, which is neutral and non-polar, at codon 167 of the GLRA1 protein (p.Pro167Leu). This variant has not been reported in the literature in individuals affected with GLRA1-related conditions. In summary, the available evidence is currently insufficient to determine the role of this variant in disease. Therefore, it has been classified as a Variant of Uncertain Significance. Advanced modeling of protein sequence and biophysical properties (such as structural, functional, and spatial information, amino acid conservation, physicochemical variation, residue mobility, and thermodynamic stability) performed at Invitae indicates that this missense variant is expected to disrupt GLRA1 protein function. ClinVar contains an entry for this variant (Variation ID: 1515770).